The following is an entry in ClinVar:

ClinVar aggregate classification (germline): Conflicting classifications of pathogenicity. Review status: criteria provided, conflicting classifications (1 of 4 stars). 3 submissions from 3 submitters: Uncertain significance (1); Likely benign (2). Last evaluated 2026-03-26.

Conditions:
NDUFB9-related disorder. Also called: NDUFB9-related condition.

Allele frequency attached by ClinVar (database versions not stated): gnomAD 0.00003; TOPMed 0.00012.

Submissions (3):

PreventionGenetics, part of Exact Sciences
Classification: Likely benign for NDUFB9-related condition. Last evaluated: 2026-03-26. Review status: criteria provided, single submitter. Criteria: ACMG Guidelines, 2015. Collection method: clinical testing. Allele origin: germline.
Comment: This variant is classified as likely benign based on ACMG/AMP sequence variant interpretation guidelines (Richards et al. 2015 PMID: 25741868, with internal and published modifications).

Labcorp Genetics (formerly Invitae), Labcorp
Classification: Uncertain significance. Last evaluated: 2025-10-14. Review status: criteria provided, single submitter. Criteria: Invitae Variant Classification Sherloc (09022015). Collection method: clinical testing. Allele origin: germline.
Comment: This sequence change affects codon 159 of the NDUFB9 mRNA. It is a 'silent' change, meaning that it does not change the encoded amino acid sequence of the NDUFB9 protein. The frequency data for this variant in the population databases is considered unreliable, as metrics indicate poor data quality at this position in the gnomAD database. This variant has not been reported in the literature in individuals affected with NDUFB9-related conditions. ClinVar contains an entry for this variant (Variation ID: 516346). Algorithms developed to predict the effect of sequence changes on RNA splicing suggest that this variant may create or strengthen a splice site. In summary, the available evidence is currently insufficient to determine the role of this variant in disease. Therefore, it has been classified as a Variant of Uncertain Significance.

GeneDx
Classification: Likely benign. Last evaluated: 2017-03-07. Review status: criteria provided, single submitter. Criteria: GeneDx Variant Classification (06012015). Collection method: clinical testing. Allele origin: germline. Affected: yes.
Comment: This variant is considered likely benign or benign based on one or more of the following criteria: it is a conservative change, it occurs at a poorly conserved position in the protein, it is predicted to be benign by multiple in silico algorithms, and/or has population frequency not consistent with disease.

NM_005005.3(NDUFB9):c.477G>A (p.Lys159=)

Gene: NDUFB9 (NADH:ubiquinone oxidoreductase subunit B9; plus strand). Cytogenetic location: 8q24.13.
Variant type: single nucleotide variant.
Coding change: c.477G>A on transcript NM_005005.3 (MANE Select); coding-DNA position 477, G replaced by A.
Protein change: p.Lys159=; no amino-acid change (lysine 159 retained).
Molecular consequence: synonymous variant.
Genome position (GRCh38, 1-based): chr8:124,549,829, G>A. VCF-style: chr8-124549829-G-A. GRCh37 (hg19) VCF-style: chr8-125562070-G-A.
Other names: c.309G>A, p.Lys103= (NM_001278645.2); c.348G>A, p.Lys116= (NM_001278646.2); c.444G>A, p.Lys148= (NM_001311168.2).
Identifiers: ClinVar variation 516346 (VCV000516346.3), dbSNP rs774020236, ClinGen allele CA4871597.
Genomic context (GRCh38, chr8:124,549,829, plus strand): 5'-GCTGCAGGAGGAAACGCCACCTGGTGGTCCTTTAACTGAAGCTTTGCCCCCTGCCCGAAA[G>A]GAAGGTGATTTGCCCCCACTGTGGTGGTATATTGTGACCAGACCCCGGGAGCGGCCCATG-3'
Protein context (NP_004996.1, residues 149-169): PLTEALPPAR[Lys159=]EGDLPPLWWY